The following is an entry in ClinVar:

ClinVar aggregate classification (germline): Uncertain significance (1 of 4 stars; one submission).

Conditions:
Cardiovascular phenotype. Identifiers: MedGen CN230736.

Submission:

Ambry Genetics
Classification: Uncertain significance for Cardiovascular phenotype. Last evaluated: 2025-01-13. Review status: criteria provided, single submitter. Criteria: Ambry Variant Classification Scheme 2023. Collection method: clinical testing. Allele origin: germline.
Comment: The c.3330delG variant, located in coding exon 9 of the AKAP9 gene, results from a deletion of one nucleotide at nucleotide position 3330, causing a translational frameshift with a predicted alternate stop codon (p.R1110Sfs*58). This alteration is expected to result in loss of function by premature protein truncation or nonsense-mediated mRNA decay. However, the evidence for this gene-disease relationship is limited; therefore, the clinical significance of this alteration is unclear.

NM_005751.5(AKAP9):c.3330del (p.Arg1110fs)

Gene: AKAP9 (A-kinase anchoring protein 9; plus strand). Cytogenetic location: 7q21.2.
Variant type: Deletion.
Coding change: c.3330del on transcript NM_005751.5 (MANE Select); coding-DNA position 3330, one base deleted (G; older notation c.3330delG).
Protein change: p.Arg1110fs; shifts the reading frame from arginine 1110.
Molecular consequence: frameshift variant.
Genome position (GRCh38, 1-based): chr7:92,012,440, G deleted; the last of 2 consecutive G bases (chr7:92,012,439-92,012,440); deleting either gives the same sequence. VCF-style (leftmost placement, unchanged base first): chr7-92012438-AG-A. GRCh37 (hg19) VCF-style: chr7-91641752-AG-A.
Other names: c.3330del, p.Arg1110fs (NM_147185.3); short protein forms R1110fs.
Identifiers: ClinVar variation 3849294 (VCV003849294.1).